The following is an entry in ClinVar:

Conditions:
Long QT syndrome 5 (LQT5). Identifiers: Orphanet 101016, Orphanet 768, MedGen C1867904, MONDO:0013372, OMIM 613695.

Submission:

Roden Lab, Vanderbilt University Medical Center
No classification provided (evidence only). Condition: Long QT syndrome 5. Review status: no classification provided. Collection method: in vitro. Allele origin: not applicable. Functional consequence: Effect on ion channel function.
ClinVar note: "not provided" was previously submitted as the classification for the variant. However, the classification appeared to be based only on an observation of functional data so it was converted to no classification on 2025-07-30.

NM_000219.6(KCNE1):c.203C>A (p.Ser68Tyr)

Gene: KCNE1 (potassium voltage-gated channel subfamily E regulatory subunit 1; minus strand). Cytogenetic location: 21q22.12.
Variant type: single nucleotide variant.
Coding change: c.203C>A on transcript NM_000219.6 (MANE Select); coding-DNA position 203, C replaced by A.
Protein change: p.Ser68Tyr; replaces serine 68 with tyrosine.
Molecular consequence: missense variant.
Genome position (GRCh38, 1-based): chr21:34,449,432, G>T on the plus strand (C>A on the coding strand, the complement: KCNE1 is on the minus strand). VCF-style: chr21-34449432-G-T. GRCh37 (hg19) VCF-style: chr21-35821730-G-T.
Other names: c.203C>A, p.Ser68Tyr (NM_001127668.4, NM_001127669.4, NM_001127670.4 and 4 more transcripts); short protein forms S68Y.
Identifiers: ClinVar variation 3374319 (VCV003374319.2).
Genomic context (GRCh38, chr21:34,449,432, plus strand): 5'-TGCCAGGCATCGGACTCGATGTAGACGTTGAATGGGTCGTTCGAGTGCTCCAGCTTCTTG[G>T]AGCGGATGTAGCTCAGCATGATGCCCAGGGTGAAGAAGCCGAAGAATCCCAGTACCATGA-3'
Protein context (NP_000210.2, residues 58-78): TLGIMLSYIR[Ser68Tyr]KKLEHSNDPF